The following is an entry in ClinVar:

NM_000152.5(GAA):c.608G>A (p.Arg203Gln)

Gene: GAA (alpha glucosidase; plus strand). Cytogenetic location: 17q25.3.
Variant type: single nucleotide variant.
Coding change: c.608G>A on transcript NM_000152.5 (MANE Select); coding-DNA position 608, G replaced by A.
Protein change: p.Arg203Gln; replaces arginine 203 with glutamine.
Molecular consequence: missense variant.
Genome position (GRCh38, 1-based): chr17:80,105,810, G>A. VCF-style: chr17-80105810-G-A. GRCh37 (hg19) VCF-style: chr17-78079609-G-A.
Other names: c.608G>A, p.Arg203Gln (NM_001079803.3, NM_001079804.3); short protein forms R203Q.
Identifiers: ClinVar variation 848561 (VCV000848561.11), dbSNP rs754446365, ClinGen allele CA8814941.

ClinVar aggregate classification (germline): Uncertain significance. Review status: criteria provided, single submitter (1 of 4 stars). 2 submissions from 2 submitters: Uncertain significance (1). 1 of the submissions does not count toward it. Last evaluated 2025-11-28.

Conditions:
Glycogen storage disease, type II (IOPD). Also called: CARDIOMEGALIA GLYCOGENICA DIFFUSA; Glycogen storage disease type 2; Acid maltase deficiency disease; Aglucosidase alfa; Deficiency of alpha-glucosidase; Deficiency of lysosomal alpha-glucosidase. Identifiers: Orphanet 365, MedGen C0017921, MONDO:0009290, OMIM 232300.

Allele frequency attached by ClinVar (database versions not stated): TOPMed below 0.00001; ExAC 0.00001; gnomAD 0.00001 and 0.00002; gnomAD exomes 0.00001 and 0.00002.
gnomAD v4.1: 24 of 1,610,826 alleles (0.0015%); highest among the groups gnomAD compares: East Asian, 0.0045%; no homozygotes.

Submissions (2):

Labcorp Genetics (formerly Invitae), Labcorp
Classification: Uncertain significance for Glycogen storage disease, type II. Last evaluated: 2025-11-28. Review status: criteria provided, single submitter. Criteria: Invitae Variant Classification Sherloc (09022015). Collection method: clinical testing. Allele origin: germline.
Comment: This sequence change replaces arginine, which is basic and polar, with glutamine, which is neutral and polar, at codon 203 of the GAA protein (p.Arg203Gln). The frequency data for this variant in the population databases is considered unreliable, as metrics indicate poor data quality at this position in the gnomAD database. This variant has not been reported in the literature in individuals affected with GAA-related conditions. ClinVar contains an entry for this variant (Variation ID: 848561). Invitae Evidence Modeling of protein sequence and biophysical properties (such as structural, functional, and spatial information, amino acid conservation, physicochemical variation, residue mobility, and thermodynamic stability) indicates that this missense variant is not expected to disrupt GAA protein function with a negative predictive value of 95%. In summary, the available evidence is currently insufficient to determine the role of this variant in disease. Therefore, it has been classified as a Variant of Uncertain Significance.

Natera, Inc.
Classification: Uncertain significance for Glycogen storage disease type II. Last evaluated: 2020-11-03. Review status: no assertion criteria provided. Collection method: clinical testing. Allele origin: germline. Not counted in ClinVar's aggregate classification.